The following is an entry in ClinVar:

NM_004656.4(BAP1):c.506A>G (p.His169Arg)

Gene: BAP1 (BRCA1 associated deubiquitinase 1; minus strand). Cytogenetic location: 3p21.1.
Variant type: single nucleotide variant.
Coding change: c.506A>G on transcript NM_004656.4 (MANE Select); coding-DNA position 506, A replaced by G.
Protein change: p.His169Arg; replaces histidine 169 with arginine.
Molecular consequence: missense variant.
Genome position (GRCh38, 1-based): chr3:52,407,248, T>C on the plus strand (A>G on the coding strand, the complement: BAP1 is on the minus strand). VCF-style: chr3-52407248-T-C. GRCh37 (hg19) VCF-style: chr3-52441264-T-C.
Other names: short protein forms H169R.
Identifiers: ClinVar variation 1173083 (VCV001173083.17), dbSNP rs2153227828, ClinGen allele CA353109964.

ClinVar aggregate classification (germline): Conflicting classifications of pathogenicity. Review status: criteria provided, conflicting classifications (1 of 4 stars). 5 submissions from 5 submitters: Pathogenic (1); Uncertain significance (2). 2 of the submissions do not count toward it. Last evaluated 2025-05-01.

Conditions:
Kury-Isidor syndrome (KURIS). Identifiers: MedGen C5676925, MONDO:0859230, OMIM 619762.
Neurodevelopmental disorder. Identifiers: MedGen C1535926, MeSH D065886, MONDO:0700092.
BAP1-related tumor predisposition syndrome (TPDS1). Also called: TUMOR PREDISPOSITION SYNDROME 1; Tumor susceptibility linked to germline BAP1 mutations; COMMON Syndrome; BAP1 tumor predisposition syndrome. Identifiers: Orphanet 289539, MedGen C3280492, MONDO:0013692, OMIM 614327.

Submissions (5):

CeGaT Center for Human Genetics Tuebingen
Classification: Pathogenic. Last evaluated: 2025-05-01. Review status: criteria provided, single submitter. Criteria: CeGaT Center For Human Genetics Tuebingen Variant Classification Criteria Version 2. Collection method: clinical testing. Allele origin: germline. Affected: yes. Observed: 1 variant allele.
Comment: BAP1: PS2, PM2, PM1:Supporting, PP2, PP3, PS3:Supporting

Labcorp Genetics (formerly Invitae), Labcorp
Classification: Uncertain significance for BAP1-related tumor predisposition syndrome. Last evaluated: 2022-09-15. Review status: criteria provided, single submitter. Criteria: Invitae Variant Classification Sherloc (09022015). Collection method: clinical testing. Allele origin: germline.
Comment: In summary, the available evidence is currently insufficient to determine the role of this variant in disease. Therefore, it has been classified as a Variant of Uncertain Significance. Experimental studies have shown that this missense change affects BAP1 function (PMID: 35051358). Advanced modeling of protein sequence and biophysical properties (such as structural, functional, and spatial information, amino acid conservation, physicochemical variation, residue mobility, and thermodynamic stability) performed at Invitae indicates that this missense variant is expected to disrupt BAP1 protein function. ClinVar contains an entry for this variant (Variation ID: 1173083). This missense change has been observed in individual(s) with a neurodevelopmental disorder (PMID: 35051358). This variant is not present in population databases (gnomAD no frequency). This sequence change replaces histidine, which is basic and polar, with arginine, which is basic and polar, at codon 169 of the BAP1 protein (p.His169Arg).

GeneDx
Classification: Uncertain significance. Last evaluated: 2020-06-24. Review status: criteria provided, single submitter. Criteria: GeneDx Variant Classification Process June 2021. Collection method: clinical testing. Allele origin: germline. Affected: yes.
Comment: In silico analysis supports that this missense variant has a deleterious effect on protein structure/function; Not observed in large population cohorts (Lek et al., 2016); Has not been previously published as pathogenic or benign to our knowledge; Variants in candidate genes are classified as variants of uncertain significance in accordance with ACMG guidelines (Richards et al., 2015)

OMIM
Classification: Pathogenic for KURY-ISIDOR SYNDROME. Last evaluated: 2022-02-24. Review status: no assertion criteria provided. Collection method: literature only. Allele origin: germline. Not counted in ClinVar's aggregate classification.

Laboratory of Molecular Genetics (Pr. Bezieau's lab), CHU de Nantes
Classification: Pathogenic for Neurodevelopmental disorder. Last evaluated: 2021-06-22. Review status: no assertion criteria provided. Collection method: research. Allele origin: de novo. Affected: yes. Not counted in ClinVar's aggregate classification.

Literature cited by the submitters: PubMed 35051358 (cited by Labcorp Genetics (formerly Invitae), Labcorp and OMIM).